The following is an entry in ClinVar:

ClinVar aggregate classification (germline): Likely benign (1 of 4 stars; one submission).

gnomAD v4.1: 17 of 1,613,746 alleles (0.0011%); highest among the groups gnomAD compares: Admixed American, 0.018%; no homozygotes.

Submission:

CeGaT Center for Human Genetics Tuebingen
Classification: Likely benign. Last evaluated: 2026-07-01. Review status: criteria provided, single submitter. Criteria: CeGaT Center For Human Genetics Tuebingen Variant Classification Criteria Version 2. Collection method: clinical testing. Allele origin: germline. Affected: yes. Observed: 1 variant allele.
Comment: SEC24C: BP4, BP7

NM_198597.3(SEC24C):c.1257A>G (p.Glu419=)

Gene: SEC24C (SEC24 homolog C, COPII component; plus strand). Cytogenetic location: 10q22.2.
Variant type: single nucleotide variant.
Coding change: c.1257A>G on transcript NM_198597.3 (MANE Select); coding-DNA position 1257, A replaced by G.
Protein change: p.Glu419=; no amino-acid change (glutamic acid 419 retained).
Molecular consequence: synonymous variant.
Genome position (GRCh38, 1-based): chr10:73,765,480, A>G. VCF-style: chr10-73765480-A-G. GRCh37 (hg19) VCF-style: chr10-75525238-A-G.
Other names: c.1257A>G, p.Glu419= (NM_004922.4).
Identifiers: ClinVar variation 5038940 (VCV005038940.1).